The following is an entry in ClinVar:

NM_001376.5(DYNC1H1):c.4580delinsCC (p.Leu1527fs)

Gene: DYNC1H1 (dynein cytoplasmic 1 heavy chain 1; plus strand). Cytogenetic location: 14q32.31.
Variant type: Indel.
Coding change: c.4580delinsCC on transcript NM_001376.5 (MANE Select); coding-DNA position 4580, T replaced by CC.
Protein change: p.Leu1527fs; shifts the reading frame from leucine 1527.
Molecular consequence: frameshift variant.
Genome position (GRCh38, 1-based): chr14:102,002,574, T replaced by CC. VCF-style: chr14-102002574-T-CC. GRCh37 (hg19) VCF-style: chr14-102468911-T-CC.
Other names: c.4580delTinsCC, p.Leu1527Profs (NM_001376.4); short protein forms L1527fs.
Identifiers: ClinVar variation 3359919 (VCV003359919.1).

ClinVar aggregate classification (germline): Uncertain significance (1 of 4 stars; one submission).

Submission:

GeneDx
Classification: Uncertain significance. Last evaluated: 2023-06-14. Review status: criteria provided, single submitter. Criteria: GeneDx Variant Classification Process June 2021. Collection method: clinical testing. Allele origin: germline. Affected: yes.
Comment: Frameshift variant predicted to result in protein truncation or nonsense mediated decay in a gene for which loss-of-function is not a known mechanism of disease; Not observed at significant frequency in large population cohorts (gnomAD); Has not been previously published as pathogenic or benign to our knowledge